The following is an entry in ClinVar:

NM_000038.6(APC):c.4782_4785del (p.Ala1595fs)

Gene: APC (APC regulator of Wnt signaling pathway; plus strand). Cytogenetic location: 5q22.2.
Variant type: Microsatellite.
Coding change: c.4782_4785del on transcript NM_000038.6 (MANE Select); coding-DNA positions 4782 to 4785, 4 bases deleted (AGCC; older notation c.4782_4785delAGCC).
Protein change: p.Ala1595fs; shifts the reading frame from alanine 1595.
Molecular consequence: frameshift variant.
Genome position (GRCh38, 1-based): chr5:112,840,376-112,840,379, AGCC deleted; deleting any 4 consecutive bases within chr5:112,840,372-112,840,379 gives the same sequence; the c. name uses the placement nearest the transcript's 3' end. VCF-style (leftmost placement, unchanged base first): chr5-112840371-AAGCC-A. GRCh37 (hg19) VCF-style: chr5-112176068-AAGCC-A.
Other names: c.4782_4785del, p.Ala1595fs (NM_001127510.3, NM_001354895.2); c.4728_4731del, p.Ala1577fs (NM_001127511.3); c.4836_4839del, p.Ala1613fs (NM_001354896.2); c.4812_4815del, p.Ala1605fs (NM_001354897.2); c.4707_4710del, p.Ala1570fs (NM_001354898.2); c.4698_4701del, p.Ala1567fs (NM_001354899.2); c.4659_4662del, p.Ala1554fs (NM_001354900.2); c.4605_4608del, p.Ala1536fs (NM_001354901.2); and 6 more; short protein forms A1312fs, A1435fs, A1494fs, A1504fs, A1554fs, A1570fs, A1613fs, A1469fs.
Identifiers: ClinVar variation 433668 (VCV000433668.31), dbSNP rs1554086196, ClinGen allele CA645372799.

ClinVar aggregate classification (germline): Pathogenic. Review status: criteria provided, multiple submitters, no conflicts (2 of 4 stars). 6 submissions from 6 submitters: Pathogenic (4). 2 of the submissions do not count toward it. Last evaluated 2023-08-15.

Conditions:
Gastric cancer. Also called: Malignant tumor of stomach; Stomach cancer. Identifiers: MedGen C0024623, MeSH D013274, MONDO:0001056, OMIM 613659, HP:0012126.
Familial adenomatous polyposis 1 (FAP1). Also called: FAMILIAL ADENOMATOUS POLYPOSIS 1, ATTENUATED; POLYPOSIS, ADENOMATOUS INTESTINAL. Identifiers: MedGen C2713442, MONDO:0021056, OMIM 175100. Disease mechanism: loss of function.
Classic or attenuated familial adenomatous polyposis. Identifiers: MedGen CN372698, MONDO:0021057.
Hereditary cancer-predisposing syndrome. Also called: Neoplastic Syndromes, Hereditary; Hereditary Cancer Syndrome; Hereditary neoplastic syndrome; Tumor predisposition. Identifiers: Orphanet 140162, MedGen C0027672, MeSH D009386, MONDO:0015356.

Submissions (6):

All of Us Research Program, National Institutes of Health
Classification: Pathogenic for Classic or attenuated familial adenomatous polyposis. Last evaluated: 2023-08-15. Review status: criteria provided, single submitter. Criteria: ACMG Guidelines, 2015. Collection method: clinical testing. Allele origin: germline. Inheritance: Autosomal dominant inheritance. Observed: 1 variant allele, 1 heterozygote.
Comment: This variant deletes 4 nucleotides in exon 16 of the APC gene, creating a frameshift and premature translation stop signal in the last exon. This variant is predicted to escape nonsense-mediated decay and be expressed as a truncated protein. Although functional studies have not been reported, this variant is expected to disrupt the B-catenin binding region, nuclear localization motifs, EB1-binding and DLG-binding domains (PMID: 23185543). This variant has been reported in individuals affected with familial adenomatous polyposis (PMID: 16478792, 20434453, 27158207). In addition, truncating variants occurring downstream of this variant are known to be disease-causing (ClinVar variation ID: 628123, 653103, 486770). This variant has not been identified in the general population by the Genome Aggregation Database (gnomAD). Loss of APC function is a known mechanism of disease. Based on the available evidence, this variant is classified as Pathogenic.

This study involves interpretation of variants in research participants for the purpose of population health screening. Participant phenotype was not available at the time of variant classification. Additional details can be found in publication PMID: 35346344, PMCID: PMC8962531

Color Diagnostics, LLC DBA Color Health
Classification: Pathogenic for Hereditary cancer-predisposing syndrome. Last evaluated: 2023-06-21. Review status: criteria provided, single submitter. Criteria: ACMG Guidelines, 2015. Collection method: clinical testing. Allele origin: germline.
Comment: This variant deletes 4 nucleotides in exon 16 of the APC gene, creating a frameshift and premature translation stop signal in the last exon. This variant is predicted to escape nonsense-mediated decay and be expressed as a truncated protein. Although functional studies have not been reported, this variant is expected to disrupt the B-catenin binding region, nuclear localization motifs, EB1-binding and DLG-binding domains (PMID: 23185543). This variant has been reported in individuals affected with familial adenomatous polyposis (PMID: 16478792, 20434453, 27158207). In addition, truncating variants occurring downstream of this variant are known to be disease-causing (ClinVar variation ID: 628123, 653103, 486770). This variant has not been identified in the general population by the Genome Aggregation Database (gnomAD). Loss of APC function is a known mechanism of disease. Based on the available evidence, this variant is classified as Pathogenic.

Myriad Genetics, Inc.
Classification: Pathogenic for Familial adenomatous polyposis 1. Last evaluated: 2023-05-11. Review status: criteria provided, single submitter. Criteria: Myriad Autosomal Dominant, Autosomal Recessive and X-Linked Classification Criteria (2023). Collection method: clinical testing. Allele origin: unknown.
Comment: This variant is considered pathogenic. This variant creates a frameshift predicted to result in premature protein truncation.

Ambry Genetics
Classification: Pathogenic for Hereditary cancer-predisposing syndrome. Last evaluated: 2021-07-09. Review status: criteria provided, single submitter. Criteria: Ambry Variant Classification Scheme 2023. Collection method: clinical testing. Allele origin: germline.
Comment: The c.4782_4785delAGCC pathogenic mutation, located in coding exon 15 of the APC gene, results from a deletion of 4 nucleotides at nucleotide positions 4782 to 4785, causing a translational frameshift with a predicted alternate stop codon (p.A1595Rfs*54). This alteration occurs at the 3' terminus of theAPC gene, is not expected to trigger nonsense-mediated mRNA decay, and impacts the last 1249 amino acids of the protein. However, premature stop codons are typically deleterious in nature and the impacted region is critical for protein function and a significant portion of the protein is affected (Ambry internal data). This alteration has been identified in several individuals with familial adenomatous polyposis (FAP) (Mutoh M et al. Jpn. J. Clin. Oncol., 2006 Mar;36:166-71; Castellsagu&eacute; E et al. Gastroenterology, 2010 Aug;139:439-47, 447.e1; Jung SM et al. World J Gastroenterol, 2016 May;22:4380-8). This variant is considered to be rare based on population cohorts in the Genome Aggregation Database (gnomAD). Based on the supporting evidence, this alteration is interpreted as a disease-causing mutation.

Laboratory for Genotyping Development, RIKEN
Classification: Pathogenic for Gastric cancer. Last evaluated: 2021-07-01. Review status: no assertion criteria provided. Collection method: research. Allele origin: germline. Not counted in ClinVar's aggregate classification.

Department of Pathology and Laboratory Medicine, Sinai Health System
Classification: Pathogenic. Review status: no assertion criteria provided. Collection method: clinical testing. Allele origin: unknown. Affected: yes. Observed: 1 variant allele. Study: The Canadian Open Genetics Repository (COGR). Not counted in ClinVar's aggregate classification.
Comment: The APC p.Ala1595ArgfsX54 variant was identified in HGMD, and in the literature in an individual with attenuated familial adenomatous polyposis (Castellsague 2010). The p.Ala1595ArgfsX54 variant deletion variant is predicted to cause a frameshift, which alters the protein's amino acid sequence beginning at codon 1595 and leads to a premature stop codon 54 codons downstream. This alteration is then predicted to result in a truncated or absent protein and loss of function; loss of function variants of the APC gene are an established mechanism of disease in familial adenomatous polyposis. It should be noted that the p.Ala1595ArgfsX54 variant occurs in the last exon of the APC gene, and stop codon or nonsense mutations in this region may not be subjected to nonsense mediated RNA decay, although further study would be required to validate this hypothesis, and it is currently not possible to determine whether or not this might influence the severity of the disorder. In concordance with this, Castellsague (2010) found that the transcriptional expression of the variant in an affected individual was within normal range, suggesting an absence of nonsense mediated RNA decay, though the authors note that there was no clear phenotypic correlation observed between clinical features and exon location of APC mutations in their cohort. In summary, based on the above information, this variant meets our laboratoryâ€šÃ„Ã´s criteria to be classified as pathogenic.

Literature cited by the submitters: PubMed 16478792 (cited by 3 submitters); PubMed 20434453 (cited by 3 submitters); PubMed 23185543 (cited by All of Us Research Program, National Institutes of Health and Color Diagnostics, LLC DBA Color Health); PubMed 27158207 (cited by 3 submitters); PubMed 36988593 (cited by Laboratory for Genotyping Development, RIKEN).